The following is an entry in ClinVar:

ClinVar aggregate classification (germline): Likely benign. Review status: criteria provided, multiple submitters, no conflicts (2 of 4 stars). 2 submissions from 2 submitters: Likely benign (2). Last evaluated 2024-07-30.

Allele frequency attached by ClinVar (database versions not stated): ESP Exome Variant Server 0.00023; TOPMed 0.00025; gnomAD exomes 0.00026 and 0.00033; gnomAD 0.00031 and 0.00032; ExAC 0.00038.
gnomAD v4.1: 438 of 1,584,732 alleles (0.028%); highest among the groups gnomAD compares: Middle Eastern, 0.1%; 1 homozygote.

Submissions (2):

Blueprint Genetics
Classification: Likely benign. Last evaluated: 2024-07-30. Review status: criteria provided, single submitter. Criteria: ACMG Guidelines, 2015. Collection method: clinical testing. Allele origin: germline.

GeneDx
Classification: Likely benign. Last evaluated: 2020-09-29. Review status: criteria provided, single submitter. Criteria: GeneDx Variant Classification Process June 2021. Collection method: clinical testing. Allele origin: germline. Affected: yes.
Comment: Has not been previously published as pathogenic or benign to our knowledge

NM_001332.4(CTNND2):c.*2G>A

Gene: CTNND2 (catenin delta 2; minus strand). Cytogenetic location: 5p15.2.
Variant type: single nucleotide variant.
Coding change: c.*2G>A on transcript NM_001332.4 (MANE Select); 2 bases downstream of the stop codon, G replaced by A.
Molecular consequence: 3 prime UTR variant. On other transcripts: non-coding transcript variant (1).
Genome position (GRCh38, 1-based): chr5:10,973,451, C>T on the plus strand (G>A on the coding strand, the complement: CTNND2 is on the minus strand). VCF-style: chr5-10973451-C-T. GRCh37 (hg19) VCF-style: chr5-10973563-C-T.
Other names: c.*2G>A (NM_001288715.1, NM_001288716.1, NM_001288717.2 and 1 more transcripts).
Identifiers: ClinVar variation 1315721 (VCV001315721.3), dbSNP rs373365622, ClinGen allele CA3200218.
Genomic context (GRCh38, chr5:10,973,451, plus strand): 5'-AAAGAAATGTCTTGTGGTATGCATGCACATGCACTGTTCCCGGAGCGCCTGTGCCCTGCT[C>T]CTCACACCCAGGAGTCGGGGGAGGCCGGGTAGTGGCTCGTTTCATAGTTCAGTTCACTGT-3'